The following is an entry in ClinVar:

ClinVar aggregate classification (germline): Uncertain significance (1 of 4 stars; one submission).

Submission:

Labcorp Genetics (formerly Invitae), Labcorp
Classification: Uncertain significance. Last evaluated: 2022-11-08. Review status: criteria provided, single submitter. Criteria: Invitae Variant Classification Sherloc (09022015). Collection method: clinical testing. Allele origin: germline.
Comment: In summary, the available evidence is currently insufficient to determine the role of this variant in disease. Therefore, it has been classified as a Variant of Uncertain Significance. Advanced modeling of protein sequence and biophysical properties (such as structural, functional, and spatial information, amino acid conservation, physicochemical variation, residue mobility, and thermodynamic stability) performed at Invitae indicates that this missense variant is not expected to disrupt COL27A1 protein function. ClinVar contains an entry for this variant (Variation ID: 1348941). This variant has not been reported in the literature in individuals affected with COL27A1-related conditions. This variant is not present in population databases (gnomAD no frequency). This sequence change replaces aspartic acid, which is acidic and polar, with tyrosine, which is neutral and polar, at codon 1193 of the COL27A1 protein (p.Asp1193Tyr).

NM_032888.4(COL27A1):c.3577G>T (p.Asp1193Tyr)

Gene: COL27A1 (collagen type XXVII alpha 1 chain; plus strand). Cytogenetic location: 9q32.
Variant type: single nucleotide variant.
Coding change: c.3577G>T on transcript NM_032888.4 (MANE Select); coding-DNA position 3577, G replaced by T.
Protein change: p.Asp1193Tyr; replaces aspartic acid 1193 with tyrosine.
Molecular consequence: missense variant.
Genome position (GRCh38, 1-based): chr9:114,270,749, G>T. VCF-style: chr9-114270749-G-T. GRCh37 (hg19) VCF-style: chr9-117033029-G-T.
Other names: short protein forms D1193Y.
Identifiers: ClinVar variation 1348941 (VCV001348941.8), dbSNP rs1343744535, ClinGen allele CA374597776.